The following is an entry in ClinVar:

ClinVar aggregate classification (germline): Uncertain significance. Review status: criteria provided, single submitter (1 of 4 stars). 2 submissions from 2 submitters: Uncertain significance (1). 1 of the submissions does not count toward it. Last evaluated 2021-08-26.

Conditions:
MHC class II deficiency. Also called: Bare lymphocyte syndrome 2; BLS, TYPE II. Identifiers: Orphanet 572, MedGen C5447452, MONDO:0008855.

Allele frequency attached by ClinVar (database versions not stated): gnomAD exomes 0.00001; ExAC 0.00003.
gnomAD v4.1: 13 of 1,612,866 alleles (0.00081%); highest among the groups gnomAD compares: Admixed American, 0.0017%; no homozygotes.

Submissions (2):

Labcorp Genetics (formerly Invitae), Labcorp
Classification: Uncertain significance for MHC class II deficiency. Last evaluated: 2021-08-26. Review status: criteria provided, single submitter. Criteria: Invitae Variant Classification Sherloc (09022015). Collection method: clinical testing. Allele origin: germline.
Comment: This sequence change replaces arginine with histidine at codon 647 of the CIITA protein (p.Arg647His). The arginine residue is weakly conserved and there is a small physicochemical difference between arginine and histidine. The frequency data for this variant in the population databases is considered unreliable, as metrics indicate poor data quality at this position in the ExAC database. This variant has not been reported in the literature in individuals affected with CIITA-related conditions. Algorithms developed to predict the effect of missense changes on protein structure and function (SIFT, PolyPhen-2, Align-GVGD) all suggest that this variant is likely to be tolerated. In summary, the available evidence is currently insufficient to determine the role of this variant in disease. Therefore, it has been classified as a Variant of Uncertain Significance.

Natera, Inc.
Classification: Uncertain significance for Bare lymphocyte syndrome type II. Last evaluated: 2020-12-07. Review status: no assertion criteria provided. Collection method: clinical testing. Allele origin: germline. Not counted in ClinVar's aggregate classification.

NM_000246.4(CIITA):c.1940G>A (p.Arg647His)

Gene: CIITA (class II major histocompatibility complex transactivator; plus strand). Cytogenetic location: 16p13.13.
Variant type: single nucleotide variant.
Coding change: c.1940G>A on transcript NM_000246.4 (MANE Select); coding-DNA position 1940, G replaced by A.
Protein change: p.Arg647His; replaces arginine 647 with histidine.
Molecular consequence: missense variant. On other transcripts: intron variant (1).
Genome position (GRCh38, 1-based): chr16:10,907,432, G>A. VCF-style: chr16-10907432-G-A. GRCh37 (hg19) VCF-style: chr16-11001289-G-A.
Other names: c.1943G>A, p.Arg648His (NM_001286402.1, NM_001379332.1); c.1796G>A, p.Arg599His (NM_001379330.1); c.1793G>A, p.Arg598His (NM_001379331.1); c.1940G>A, p.Arg647His (NM_001379333.1); c.1871G>A, p.Arg624His (NM_001379334.1); c.860-1551G>A (NM_001286403.2); short protein forms R647H, R648H, R598H, R599H, R624H.
Identifiers: ClinVar variation 647425 (VCV000647425.7), dbSNP rs757021053, ClinGen allele CA7900251.